The following is an entry in ClinVar:

ClinVar aggregate classification (germline): Conflicting classifications of pathogenicity. Review status: criteria provided, conflicting classifications (1 of 4 stars). 2 submissions from 2 submitters: Uncertain significance (1); Likely benign (1). Last evaluated 2025-04-20.

Allele frequency attached by ClinVar (database versions not stated): ESP Exome Variant Server 0.00009; ExAC 0.00012; gnomAD exomes 0.00012; 1000 Genomes Project 30x 0.00016; gnomAD 0.00019.

Submissions (2):

Ambry Genetics
Classification: Uncertain significance. Last evaluated: 2025-04-20. Review status: criteria provided, single submitter. Criteria: Ambry Variant Classification Scheme 2023. Collection method: clinical testing. Allele origin: germline.

CeGaT Center for Human Genetics Tuebingen
Classification: Likely benign. Last evaluated: 2024-10-01. Review status: criteria provided, single submitter. Criteria: CeGaT Center For Human Genetics Tuebingen Variant Classification Criteria Version 2. Collection method: clinical testing. Allele origin: germline. Affected: yes. Observed: 1 variant allele.
Comment: SIGLEC14: BP4, BS2

NM_001098612.3(SIGLEC14):c.1174G>A (p.Ala392Thr)

Gene: SIGLEC14 (sialic acid binding Ig like lectin 14; minus strand). Cytogenetic location: 19q13.41.
Variant type: single nucleotide variant.
Coding change: c.1174G>A on transcript NM_001098612.3 (MANE Select); coding-DNA position 1174, G replaced by A.
Protein change: p.Ala392Thr; replaces alanine 392 with threonine.
Molecular consequence: missense variant.
Genome position (GRCh38, 1-based): chr19:51,643,372, C>T on the plus strand (G>A on the coding strand, the complement: SIGLEC14 is on the minus strand). VCF-style: chr19-51643372-C-T. GRCh37 (hg19) VCF-style: chr19-52146625-C-T.
Other names: short protein forms A392T.
Identifiers: ClinVar variation 2214247 (VCV002214247.16), dbSNP rs371800454, ClinGen allele CA9615383.